The following is an entry in ClinVar:

NM_181783.4(TMTC3):c.2588A>C (p.Asp863Ala)

Gene: TMTC3 (transmembrane O-mannosyltransferase targeting cadherins 3; plus strand). Cytogenetic location: 12q21.32.
Variant type: single nucleotide variant.
Coding change: c.2588A>C on transcript NM_181783.4 (MANE Select); coding-DNA position 2588, A replaced by C.
Protein change: p.Asp863Ala; replaces aspartic acid 863 with alanine.
Molecular consequence: missense variant. On other transcripts: non-coding transcript variant (1).
Genome position (GRCh38, 1-based): chr12:88,195,492, A>C. VCF-style: chr12-88195492-A-C. GRCh37 (hg19) VCF-style: chr12-88589269-A-C.
Other names: c.2408A>C, p.Asp803Ala (NM_001366574.1); c.2369A>C, p.Asp790Ala (NM_001366579.1); c.2321A>C, p.Asp774Ala (NM_001366580.1); c.1895A>C, p.Asp632Ala (NM_001366583.1); short protein forms D632A, D790A, D803A, D863A, D774A.
Identifiers: ClinVar variation 1415834 (VCV001415834.8), dbSNP rs2138450398, ClinGen allele CA386120331.
Genomic context (GRCh38, chr12:88,195,492, plus strand): 5'-CTGAAAGTGTAAAAGAAATTAGAGGTGAATCCAGACAAACACAAATAGTAAAAACAAGTG[A>C]TAATAAAAGTCAGTCTAAATCCAACAAACAATTAGGAAAAAATGGAGACGAAGAGACACC-3'
Protein context (NP_861448.2, residues 853-873): SRQTQIVKTS[Asp863Ala]NKSQSKSNKQ

ClinVar aggregate classification (germline): Uncertain significance (1 of 4 stars; one submission).

Submission:

Labcorp Genetics (formerly Invitae), Labcorp
Classification: Uncertain significance. Last evaluated: 2021-07-12. Review status: criteria provided, single submitter. Criteria: Invitae Variant Classification Sherloc (09022015). Collection method: clinical testing. Allele origin: germline.
Comment: This sequence change replaces aspartic acid with alanine at codon 863 of the TMTC3 protein (p.Asp863Ala). The aspartic acid residue is weakly conserved and there is a moderate physicochemical difference between aspartic acid and alanine. This variant is not present in population databases (ExAC no frequency). This variant has not been reported in the literature in individuals affected with TMTC3-related conditions. Algorithms developed to predict the effect of missense changes on protein structure and function (SIFT, PolyPhen-2, Align-GVGD) all suggest that this variant is likely to be tolerated. In summary, the available evidence is currently insufficient to determine the role of this variant in disease. Therefore, it has been classified as a Variant of Uncertain Significance.